The following is an entry in ClinVar:

NM_001042492.3(NF1):c.3972C>T (p.Thr1324=)

Gene: NF1 (neurofibromin 1; plus strand). Cytogenetic location: 17q11.2.
Variant type: single nucleotide variant.
Coding change: c.3972C>T on transcript NM_001042492.3 (MANE Select); coding-DNA position 3972, C replaced by T.
Protein change: p.Thr1324=; no amino-acid change (threonine 1324 retained).
Molecular consequence: synonymous variant.
Genome position (GRCh38, 1-based): chr17:31,236,019, C>T. VCF-style: chr17-31236019-C-T. GRCh37 (hg19) VCF-style: chr17-29563037-C-T.
Other names: p.Thr1324=; c.3972C>T, p.Thr1324= (NM_000267.4).
Identifiers: ClinVar variation 824448 (VCV000824448.8), dbSNP rs1597723059, ClinGen allele CA499232832.

ClinVar aggregate classification (germline): Conflicting classifications of pathogenicity. Review status: criteria provided, conflicting classifications (1 of 4 stars). 3 submissions from 3 submitters: Uncertain significance (2); Likely benign (1). Last evaluated 2025-07-01.

Conditions:
Neurofibromatosis, type 1 (NF1). Also called: Neurofibromatosis, type I; Peripheral type neurofibromatosis; VON RECKLINGHAUSEN DISEASE; NEUROFIBROMATOSIS, TYPE I, SOMATIC. Identifiers: Orphanet 636, MedGen C0027831, MONDO:0018975, OMIM 162200. Disease mechanism: loss of function.
Hereditary cancer-predisposing syndrome. Also called: Neoplastic Syndromes, Hereditary; Hereditary Cancer Syndrome; Hereditary neoplastic syndrome; Tumor predisposition. Identifiers: Orphanet 140162, MedGen C0027672, MeSH D009386, MONDO:0015356.
Cardiovascular phenotype. Identifiers: MedGen CN230736.

Submissions (3):

Mayo Clinic Laboratories, Mayo Clinic
Classification: Uncertain significance. Last evaluated: 2025-07-01. Review status: criteria provided, single submitter. Criteria: ACMG Guidelines, 2015. Collection method: clinical testing. Allele origin: germline. Observed: 1 variant allele.
Comment: BP7, PM2_supporting

Labcorp Genetics (formerly Invitae), Labcorp
Classification: Uncertain significance for Neurofibromatosis, type 1. Last evaluated: 2022-11-08. Review status: criteria provided, single submitter. Criteria: Invitae Variant Classification Sherloc (09022015). Collection method: clinical testing. Allele origin: germline.
Comment: Algorithms developed to predict the effect of sequence changes on RNA splicing suggest that this variant may disrupt the consensus splice site. In summary, the available evidence is currently insufficient to determine the role of this variant in disease. Therefore, it has been classified as a Variant of Uncertain Significance. ClinVar contains an entry for this variant (Variation ID: 824448). This variant has not been reported in the literature in individuals affected with NF1-related conditions. This variant is not present in population databases (gnomAD no frequency). This sequence change affects codon 1324 of the NF1 mRNA. It is a 'silent' change, meaning that it does not change the encoded amino acid sequence of the NF1 protein.

Ambry Genetics
Classification: Likely benign for Cardiovascular phenotype; Hereditary cancer-predisposing syndrome. Last evaluated: 2019-03-11. Review status: criteria provided, single submitter. Criteria: Ambry Variant Classification Scheme 2023. Collection method: clinical testing. Allele origin: germline.